The following is an entry in ClinVar:

ClinVar aggregate classification (germline): Uncertain significance (1 of 4 stars; one submission).

Conditions:
Inborn genetic diseases. Identifiers: MedGen C0950123, MeSH D030342.

Submission:

Ambry Genetics
Classification: Uncertain significance for Inborn genetic diseases. Last evaluated: 2025-11-07. Review status: criteria provided, single submitter. Criteria: Ambry Variant Classification Scheme 2023. Collection method: clinical testing. Allele origin: germline.
Comment: The p.R2024S variant (also known as c.6072A>C), located in coding exon 23 of the FANCM gene, results from an A to C substitution at nucleotide position 6072. The arginine at codon 2024 is replaced by serine, an amino acid with dissimilar properties. This amino acid position is conserved. In addition, this alteration is predicted to be tolerated by in silico analysis. Based on the available evidence, the clinical significance of this variant remains unclear.

NM_020937.4(FANCM):c.6072A>C (p.Arg2024Ser)

Gene: FANCM (FA complementation group M; plus strand). Cytogenetic location: 14q21.2.
Variant type: single nucleotide variant.
Coding change: c.6072A>C on transcript NM_020937.4 (MANE Select); coding-DNA position 6072, A replaced by C.
Protein change: p.Arg2024Ser; replaces arginine 2024 with serine.
Molecular consequence: missense variant.
Genome position (GRCh38, 1-based): chr14:45,199,933, A>C. VCF-style: chr14-45199933-A-C. GRCh37 (hg19) VCF-style: chr14-45669136-A-C.
Other names: c.5994A>C, p.Arg1998Ser (NM_001308133.2); short protein forms R1998S, R2024S.
Identifiers: ClinVar variation 3848829 (VCV003848829.2).